The following is an entry in ClinVar:

NC_000023.10:g.(?_69176857)_(69247906_?)dup

Gene: EDA (ectodysplasin A; plus strand). Cytogenetic location: Xq13.1.
Variant type: Duplication.
Identifiers: ClinVar variation 3243825 (VCV003243825.1).

ClinVar aggregate classification (germline): Likely pathogenic (1 of 4 stars; one submission).

Conditions:
Hypohidrotic X-linked ectodermal dysplasia (XHED). Also called: ECTODERMAL DYSPLASIA 1; Ectodermal Dysplasia 1, Anhidrotic; ECTODERMAL DYSPLASIA, HYPOHIDROTIC, 1; CST SYNDROME; Anhidrotic ectodermal dysplasia X-linked; Christ Siemens Touraine syndrome. Identifiers: Orphanet 181, Orphanet 238468, MedGen C0162359, MONDO:0010585, OMIM 305100.

Submission:

Labcorp Genetics (formerly Invitae), Labcorp
Classification: Likely pathogenic for Hypohidrotic X-linked ectodermal dysplasia. Last evaluated: 2023-10-29. Review status: criteria provided, single submitter. Criteria: Invitae Variant Classification Sherloc (09022015). Collection method: clinical testing. Allele origin: unknown.
Comment: This variant results in a copy number gain of the genomic region encompassing exon(s) 2-4 of the EDA gene. While the exact position of this variant cannot be determined from the data, sub-genic copy number gains are generally in tandem (PMID: 25640679). This variant is predicted to be out-of-frame, and may result in an absent or disrupted protein product. Loss-of-function variants in EDA are known to be pathogenic (PMID: 9683615). This variant has not been reported in the literature in individuals affected with EDA-related conditions. In summary, the currently available evidence indicates that the variant is pathogenic, but additional data are needed to prove that conclusively. Therefore, this variant has been classified as Likely Pathogenic.

Literature cited by the submitters: PubMed 25640679; PubMed 9683615.